The following is an entry in ClinVar:

ClinVar aggregate classification (germline): Conflicting classifications of pathogenicity. Review status: criteria provided, conflicting classifications (1 of 4 stars). 3 submissions from 3 submitters: Uncertain significance (2); Likely benign (1). Last evaluated 2026-04-01.

Conditions:
Seizures, benign familial infantile, 3 (BFIS3). Also called: CONVULSIONS, BENIGN FAMILIAL INFANTILE, 3; Familial neonatal seizures. Identifiers: Orphanet 140927, Orphanet 306, MedGen C1843140, MONDO:0011904, OMIM 607745.
Developmental and epileptic encephalopathy, 11 (DEE11). Also called: Early infantile epileptic encephalopathy 11. Identifiers: Orphanet 1934, MedGen C3150987, MONDO:0013388, OMIM 613721.

Allele frequency attached by ClinVar (database versions not stated): gnomAD exomes below 0.00001; TOPMed 0.00001.
gnomAD v4.1: 2 of 1,613,390 alleles (0.00012%); highest among the groups gnomAD compares: Admixed American, 0.0033%; no homozygotes.

Submissions (3):

CeGaT Center for Human Genetics Tuebingen
Classification: Uncertain significance. Last evaluated: 2026-04-01. Review status: criteria provided, single submitter. Criteria: CeGaT Center For Human Genetics Tuebingen Variant Classification Criteria Version 2. Collection method: clinical testing. Allele origin: germline. Affected: yes. Observed: 1 variant allele.

Labcorp Genetics (formerly Invitae), Labcorp
Classification: Likely benign for Seizures, benign familial infantile, 3; Developmental and epileptic encephalopathy, 11. Last evaluated: 2024-07-24. Review status: criteria provided, single submitter. Criteria: Invitae Variant Classification Sherloc (09022015). Collection method: clinical testing. Allele origin: germline.

GeneDx
Classification: Uncertain significance. Last evaluated: 2024-03-04. Review status: criteria provided, single submitter. Criteria: GeneDx Variant Classification Process June 2021. Collection method: clinical testing. Allele origin: germline. Affected: yes.
Comment: In silico analysis indicates that this missense variant does not alter protein structure/function; Has not been previously published as pathogenic or benign to our knowledge; This substitution is predicted to be within the extracellular loop between the S5 and S6 transmembrane segments of the third homologous domain.

NM_001040142.2(SCN2A):c.4187C>T (p.Ala1396Val)

Gene: SCN2A (sodium voltage-gated channel alpha subunit 2; plus strand). Cytogenetic location: 2q24.3.
Variant type: single nucleotide variant.
Coding change: c.4187C>T on transcript NM_001040142.2 (MANE Select); coding-DNA position 4187, C replaced by T.
Protein change: p.Ala1396Val; replaces alanine 1396 with valine.
Molecular consequence: missense variant.
Genome position (GRCh38, 1-based): chr2:165,374,899, C>T. VCF-style: chr2-165374899-C-T. GRCh37 (hg19) VCF-style: chr2-166231409-C-T.
Other names: c.4187C>T, p.Ala1396Val (NM_001040143.2, NM_001371246.1, NM_001371247.1 and 1 more transcripts); short protein forms A1396V.
Identifiers: ClinVar variation 2137413 (VCV002137413.7), dbSNP rs914316483, ClinGen allele CA349031413.